The following is an entry in ClinVar:

ClinVar aggregate classification (germline): Conflicting classifications of pathogenicity. Review status: criteria provided, conflicting classifications (1 of 4 stars). 3 submissions from 3 submitters: Uncertain significance (1); Likely benign (1). 1 of the submissions does not count toward it. Last evaluated 2026-02-02.

Conditions:
Alpha thalassemia-X-linked intellectual disability syndrome (ATRX). Also called: ALPHA-THALASSEMIA/IMPAIRED INTELLECTUAL DEVELOPMENT SYNDROME, X-LINKED; ALPHA-THALASSEMIA/MENTAL RETARDATION SYNDROME, X-LINKED; ATR, NONDELETION TYPE; X-linked alpha-thalassemia-mental retardation syndrome; ATR-X syndrome; Alpha thalassemia mental retardation syndrome, nondeletion type, X-linked. Identifiers: Orphanet 847, MedGen C1845055, MONDO:0010519, OMIM 301040.

Allele frequency attached by ClinVar (database versions not stated): gnomAD exomes 0.00001; TOPMed 0.00008; gnomAD 0.00002 and 0.00001; ExAC below 0.00001.
gnomAD v4.1: 15 of 1,190,891 alleles (0.0013%); highest among the groups gnomAD compares: East Asian, 0.0031%; no homozygotes.

Submissions (3):

Labcorp Genetics (formerly Invitae), Labcorp
Classification: Likely benign for Alpha thalassemia-X-linked intellectual disability syndrome. Last evaluated: 2026-02-02. Review status: criteria provided, single submitter. Criteria: Invitae Variant Classification Sherloc (09022015). Collection method: clinical testing. Allele origin: germline.

GeneDx
Classification: Uncertain significance. Last evaluated: 2019-11-13. Review status: criteria provided, single submitter. Criteria: GeneDx Variant Classification Process June 2021. Collection method: clinical testing. Allele origin: germline. Affected: yes.
Comment: Not observed at a significant frequency in large population cohorts (Lek et al., 2016); In silico analysis supports that this missense variant does not alter protein structure/function; Has not been previously published as pathogenic or benign to our knowledge

Natera, Inc.
Classification: Uncertain significance for X-linked alpha-thalassemia-mental retardation syndrome. Last evaluated: 2020-04-11. Review status: no assertion criteria provided. Collection method: clinical testing. Allele origin: germline. Not counted in ClinVar's aggregate classification.

NM_000489.6(ATRX):c.16A>G (p.Met6Val)

Genes: ATRX (ATRX chromatin remodeler; minus strand), LOC130068458 (ATAC-STARR-seq lymphoblastoid active region 29779; plus strand). Cytogenetic location: Xq21.1.
Variant type: single nucleotide variant.
Coding change: c.16A>G on transcript NM_000489.6 (MANE Select); coding-DNA position 16, A replaced by G.
Protein change: p.Met6Val; replaces methionine 6 with valine.
Molecular consequence: missense variant.
Genome position (GRCh38, 1-based): chrX:77,785,986, T>C on the plus strand (A>G on the coding strand, the complement: ATRX is on the minus strand). VCF-style: chrX-77785986-T-C. GRCh37 (hg19) VCF-style: chrX-77041472-T-C.
Other names: c.16A>G, p.Met6Val (NM_138270.5); short protein forms M6V.
Identifiers: ClinVar variation 647163 (VCV000647163.16), dbSNP rs782080475, ClinGen allele CA10458408.
Genomic context (GRCh38, chrX:77,785,986, plus strand): 5'-TCAGACGGTGCCTGGGCCCAGACCGCTGGGGCCCATGAGACGGGGTTGCGTTTTACCTCA[T>C]GGGCTCAGCGGTCATGTTTTCGCTTGAACGCCTTGTCGGCTTCTGTGATTGCTGGGCGCC-3'
Protein context (NP_000480.3, residues 1-16): MTAEP[Met6Val]SESKLNTLVQ